The following is an entry in ClinVar:

NM_033380.3(COL4A5):c.938del

Gene: COL4A5 (collagen type IV alpha 5 chain; plus strand). Cytogenetic location: Xq22.3.
Variant type: Deletion.
Coding change: c.938del on transcript NM_033380.3 (MANE Select); coding-DNA position 938, one base deleted (G; older notation c.938delG).
Molecular consequence: splice acceptor variant.
Genome position (GRCh38, 1-based): chrX:108,582,885, G deleted; the last of 3 consecutive G bases (chrX:108,582,883-108,582,885); deleting any one gives the same sequence. VCF-style (leftmost placement, unchanged base first): chrX-108582882-AG-A. GRCh37 (hg19) VCF-style: chrX-107826112-AG-A.
Identifiers: ClinVar variation 2572496 (VCV002572496.1), dbSNP rs2524254479, ClinGen allele CA2580612295.

ClinVar aggregate classification (germline): Likely pathogenic (1 of 4 stars; one submission).

Conditions:
X-linked Alport syndrome (ATS1). Also called: NEPHROPATHY AND DEAFNESS, X-LINKED; COL4A5-Related Nephropathy. Identifiers: Orphanet 63, Orphanet 88917, MedGen C4746986, MONDO:0010520, OMIM 301050.

Submission:

3billion
Classification: Likely pathogenic for X-linked Alport syndrome. Review status: criteria provided, single submitter. Criteria: ACMG Guidelines, 2015. Collection method: clinical testing. Allele origin: unknown. Affected: yes. Observed: 1 heterozygote.
Comment: The variant is not observed in the gnomAD v2.1.1 dataset. The variant is predicted to alter splicing and result in a loss or disruption of normal protein function. Multiple pathogenic loss-of-function variants are reported downstream of the variant. Therefore, this variant is classified as Likely pathogenic according to the recommendation of ACMG/AMP guideline.